The following is an entry in ClinVar:

ClinVar aggregate classification (germline): Uncertain significance. Review status: criteria provided, multiple submitters, no conflicts (2 of 4 stars). 3 submissions from 3 submitters: Uncertain significance (3). Last evaluated 2026-01-02.

Conditions:
Inborn genetic diseases. Identifiers: MedGen C0950123, MeSH D030342.
DeSanto-Shinawi syndrome due to WAC point mutation (DESSH). Also called: WAC-Related Intellectual Disability; Facial dysmorphism-developmental delay-behavioral abnormalities syndrome due to WAC point mutation; DEVELOPMENTAL DELAY, BEHAVIORAL ABNORMALITIES, FACIAL DYSMORPHISM, AND OCULAR ABNORMALITIES. Identifiers: Orphanet 284169, Orphanet 466950, MedGen C5681129, MONDO:0014741, OMIM 616708.

gnomAD v4.1: 5 of 1,608,966 alleles (0.00031%); highest among the groups gnomAD compares: Admixed American, 0.0017%; no homozygotes.

Submissions (3):

Dasa
Classification: Uncertain significance. Last evaluated: 2026-01-02. Review status: criteria provided, single submitter. Criteria: DASA Assertion Criteria. Collection method: clinical testing. Allele origin: germline.
Comment: NM_016628.5(WAC):c.1277T>C (p.Leu426Pro) is a missense variant that results in the substitution of leucine with proline. This variant is rare in population databases. The currently available literature and clinical evidence are not sufficient to establish a definitive association between this variant and the reported condition. Therefore, this variant is classified as a variant of uncertain significance.

Ambry Genetics
Classification: Uncertain significance for Inborn genetic diseases. Last evaluated: 2025-08-01. Review status: criteria provided, single submitter. Criteria: Ambry Variant Classification Scheme 2023. Collection method: clinical testing. Allele origin: germline.

Fulgent Genetics
Classification: Uncertain significance for DeSanto-Shinawi syndrome due to WAC point mutation. Last evaluated: 2024-05-09. Review status: criteria provided, single submitter. Criteria: ACMG Guidelines, 2015. Collection method: clinical testing. Allele origin: germline.

NM_016628.5(WAC):c.1277T>C (p.Leu426Pro)

Gene: WAC (WW domain containing adaptor with coiled-coil; plus strand). Cytogenetic location: 10p12.1.
Variant type: single nucleotide variant.
Coding change: c.1277T>C on transcript NM_016628.5 (MANE Select); coding-DNA position 1277, T replaced by C.
Protein change: p.Leu426Pro; replaces leucine 426 with proline.
Molecular consequence: missense variant.
Genome position (GRCh38, 1-based): chr10:28,610,810, T>C. VCF-style: chr10-28610810-T-C. GRCh37 (hg19) VCF-style: chr10-28899739-T-C.
Other names: c.1142T>C, p.Leu381Pro (NM_100264.3); c.968T>C, p.Leu323Pro (NM_100486.4); c.1277T>C (NM_016628.4); short protein forms L381P, L426P, L323P.
Identifiers: ClinVar variation 3594400 (VCV003594400.4).